The following is an entry in ClinVar:

ClinVar aggregate classification (germline): Uncertain significance (1 of 4 stars; one submission).

Conditions:
Pheochromocytoma. Also called: MAX-Related Hereditary Paraganglioma-Pheochromocytoma Syndrome. Identifiers: Orphanet 29072, MedGen C0031511, MONDO:0008233, OMIM 171300, HP:0002666.
Gastrointestinal stromal tumor. Also called: Gastrointestinal stromal tumor, somatic; Gastrointestinal stroma tumor. Identifiers: Orphanet 44890, MedGen C0238198, MeSH D046152, MONDO:0011719, OMIM 606764, HP:0100723.
Pheochromocytoma/paraganglioma syndrome 4. Also called: CAROTID BODY TUMORS AND MULTIPLE EXTRAADRENAL PHEOCHROMOCYTOMAS; SDHB-Related Hereditary Paraganglioma-Pheochromocytoma Syndrome (Paragangliomas 4); Paragangliomas 4; SDHB-Related Hereditary Paraganglioma-Pheochromocytoma Syndrome; PARAGANGLIOMA, FAMILIAL MALIGNANT; PARAGANGLIOMAS, HEREDITARY EXTRAADRENAL. Identifiers: Orphanet 29072, MedGen C1861848, MONDO:0007273, OMIM 115310.

Allele frequency attached by ClinVar (database versions not stated): ExAC 0.00001; gnomAD exomes 0.00001.
gnomAD v4.1: 3 of 1,612,890 alleles (0.00019%); highest among the groups gnomAD compares: South Asian, 0.0033%; no homozygotes.

Submission:

Labcorp Genetics (formerly Invitae), Labcorp
Classification: Uncertain significance for Gastrointestinal stromal tumor; Pheochromocytoma/paraganglioma syndrome 4; Pheochromocytoma. Last evaluated: 2024-06-19. Review status: criteria provided, single submitter. Criteria: Invitae Variant Classification Sherloc (09022015). Collection method: clinical testing. Allele origin: germline.
Comment: This sequence change replaces alanine, which is neutral and non-polar, with threonine, which is neutral and polar, at codon 21 of the SDHB protein (p.Ala21Thr). This variant is present in population databases (rs774266782, gnomAD 0.007%). This variant has not been reported in the literature in individuals affected with SDHB-related conditions. ClinVar contains an entry for this variant (Variation ID: 1021782). Advanced modeling of protein sequence and biophysical properties (such as structural, functional, and spatial information, amino acid conservation, physicochemical variation, residue mobility, and thermodynamic stability) performed at Invitae indicates that this missense variant is not expected to disrupt SDHB protein function with a negative predictive value of 95%. In summary, the available evidence is currently insufficient to determine the role of this variant in disease. Therefore, it has been classified as a Variant of Uncertain Significance.

NM_003000.3(SDHB):c.61G>A (p.Ala21Thr)

Genes: SDHB (succinate dehydrogenase complex iron sulfur subunit B; minus strand), LOC129929542 (ATAC-STARR-seq lymphoblastoid active region 277; plus strand). Cytogenetic location: 1p36.13.
Variant type: single nucleotide variant.
Coding change: c.61G>A on transcript NM_003000.3 (MANE Select); coding-DNA position 61, G replaced by A.
Protein change: p.Ala21Thr; replaces alanine 21 with threonine.
Molecular consequence: missense variant.
Genome position (GRCh38, 1-based): chr1:17,053,959, C>T on the plus strand (G>A on the coding strand, the complement: SDHB is on the minus strand). VCF-style: chr1-17053959-C-T. GRCh37 (hg19) VCF-style: chr1-17380454-C-T.
Other names: short protein forms A21T.
Identifiers: ClinVar variation 1021782 (VCV001021782.5), dbSNP rs774266782, ClinGen allele CA089680.